The following is an entry in ClinVar:

ClinVar aggregate classification (germline): Uncertain significance (1 of 4 stars; one submission).

Conditions:
Ehlers-Danlos syndrome, classic type, 1 (EDSCL1). Also called: Ehlers-Danlos syndrome, type 1; Ehlers-Danlos Syndrome, Classic Type, COL5A1-Related; EDS I; EHLERS-DANLOS SYNDROME, GRAVIS TYPE; EHLERS-DANLOS SYNDROME, SEVERE CLASSIC TYPE. Identifiers: MedGen C0268335, MONDO:0019567, OMIM 130000.
Osteogenesis imperfecta type I (OI1). Also called: Osteogenesis imperfecta type 1; Lobstein's Disease; Lobstein disease; OI, TYPE I; OSTEOGENESIS IMPERFECTA TARDA; OSTEOGENESIS IMPERFECTA WITH BLUE SCLERAE. Identifiers: Orphanet 216796, Orphanet 666, MedGen C0023931, MONDO:0008146, OMIM 166200. Disease mechanism: loss of function.

Submission:

Labcorp Genetics (formerly Invitae), Labcorp
Classification: Uncertain significance for Osteogenesis imperfecta type I; Ehlers-Danlos syndrome, classic type, 1. Last evaluated: 2022-09-02. Review status: criteria provided, single submitter. Criteria: Invitae Variant Classification Sherloc (09022015). Collection method: clinical testing. Allele origin: germline.
Comment: In summary, the available evidence is currently insufficient to determine the role of this variant in disease. Therefore, it has been classified as a Variant of Uncertain Significance. Algorithms developed to predict the effect of sequence changes on RNA splicing suggest that this variant may create or strengthen a splice site. This variant has been observed in individual(s) with autosomal dominant osteogenesis imperfecta (Invitae). This variant is not present in population databases (gnomAD no frequency). This sequence change affects codon 850 of the COL1A2 mRNA. It is a 'silent' change, meaning that it does not change the encoded amino acid sequence of the COL1A2 protein.

NM_000089.4(COL1A2):c.2550A>G (p.Gly850=)

Gene: COL1A2 (collagen type I alpha 2 chain; plus strand). Cytogenetic location: 7q21.3.
Variant type: single nucleotide variant.
Coding change: c.2550A>G on transcript NM_000089.4 (MANE Select); coding-DNA position 2550, A replaced by G.
Protein change: p.Gly850=; no amino-acid change (glycine 850 retained).
Molecular consequence: synonymous variant.
Genome position (GRCh38, 1-based): chr7:94,423,103, A>G. VCF-style: chr7-94423103-A-G. GRCh37 (hg19) VCF-style: chr7-94052415-A-G.
Identifiers: ClinVar variation 1922210 (VCV001922210.5), dbSNP rs764720520, ClinGen allele CA456489668.
Genomic context (GRCh38, chr7:94,423,103, plus strand): 5'-AACTGGAGAAGTAGGTGCAGTTGGTCCCCCTGGCTTCGCTGGTGAGAAGGGTCCCTCTGG[A>G]GAGGCTGGTACTGCTGTAAGTGATTTCCAACTCCTCTTTCTTAATACCTTATGCTGAATT-3'
Protein context (NP_000080.2, residues 840-860): PGFAGEKGPS[Gly850=]EAGTAGPPGT